The following is an entry in ClinVar:

ClinVar aggregate classification (germline): Uncertain significance. Review status: criteria provided, multiple submitters, no conflicts (2 of 4 stars). 2 submissions from 2 submitters: Uncertain significance (2). Last evaluated 2025-02-19.

Allele frequency attached by ClinVar (database versions not stated): ExAC 0.00001; gnomAD exomes 0.00002; gnomAD 0.00003; TOPMed 0.00003.
gnomAD v4.1: 137 of 1,612,702 alleles (0.0085%); highest among the groups gnomAD compares: Non-Finnish European, 0.011%; no homozygotes.

Submissions (2):

Labcorp Genetics (formerly Invitae), Labcorp
Classification: Uncertain significance. Last evaluated: 2025-02-19. Review status: criteria provided, single submitter. Criteria: Invitae Variant Classification Sherloc (09022015). Collection method: clinical testing. Allele origin: germline.
Comment: This sequence change replaces isoleucine, which is neutral and non-polar, with valine, which is neutral and non-polar, at codon 515 of the CDT1 protein (p.Ile515Val). This variant is present in population databases (rs755157588, gnomAD 0.007%). This variant has not been reported in the literature in individuals affected with CDT1-related conditions. ClinVar contains an entry for this variant (Variation ID: 1391416). An algorithm developed to predict the effect of missense changes on protein structure and function outputs the following: PolyPhen-2: "Benign". The valine amino acid residue is found in multiple mammalian species, which suggests that this missense change does not adversely affect protein function. In summary, the available evidence is currently insufficient to determine the role of this variant in disease. Therefore, it has been classified as a Variant of Uncertain Significance.

Breakthrough Genomics
Classification: Uncertain significance. Review status: criteria provided, single submitter. Criteria: ACMG Guidelines, 2015. Collection method: not provided. Allele origin: germline. Inheritance: Autosomal recessive inheritance. Affected: yes.

NM_030928.4(CDT1):c.1543A>G (p.Ile515Val)

Gene: CDT1 (chromatin licensing and DNA replication factor 1; plus strand). Cytogenetic location: 16q24.3.
Variant type: single nucleotide variant.
Coding change: c.1543A>G on transcript NM_030928.4 (MANE Select); coding-DNA position 1543, A replaced by G.
Protein change: p.Ile515Val; replaces isoleucine 515 with valine.
Molecular consequence: missense variant.
Genome position (GRCh38, 1-based): chr16:88,808,180, A>G. VCF-style: chr16-88808180-A-G. GRCh37 (hg19) VCF-style: chr16-88874588-A-G.
Other names: short protein forms I515V.
Identifiers: ClinVar variation 1391416 (VCV001391416.7), dbSNP rs755157588, ClinGen allele CA8234229.